The following is an entry in ClinVar:

NM_001277058.2(ERCC6):c.2378A>G (p.Tyr793Cys)

Genes: ERCC6 (ERCC excision repair 6, chromatin remodeling factor; minus strand), PGBD3 (piggyBac transposable element derived 3; minus strand). Cytogenetic location: 10q11.23.
Variant type: single nucleotide variant.
Coding change: c.2378A>G on transcript NM_001277058.2 (MANE Plus Clinical); coding-DNA position 2378, A replaced by G.
Protein change: p.Tyr793Cys; replaces tyrosine 793 with cysteine.
Molecular consequence: missense variant. On other transcripts: intron variant (2).
Genome position (GRCh38, 1-based): chr10:49,516,141, T>C on the plus strand (A>G on the coding strand, the complement: ERCC6 is on the minus strand). VCF-style: chr10-49516141-T-C. GRCh37 (hg19) VCF-style: chr10-50724187-T-C.
Other names: c.2378A>G, p.Tyr793Cys (NM_001277059.2); c.974A>G, p.Tyr325Cys (NM_170753.3); c.1397+7892A>G (NM_001346440.2, NM_000124.4); c.974A>G (NM_170753.2); short protein forms Y325C, Y793C.
Identifiers: ClinVar variation 2503130 (VCV002503130.26), dbSNP rs200925890, ClinGen allele CA5496153.

ClinVar aggregate classification (germline): Conflicting classifications of pathogenicity. Review status: criteria provided, conflicting classifications (1 of 4 stars). 3 submissions from 3 submitters: Uncertain significance (2); Likely benign (1). Last evaluated 2024-11-14.

Allele frequency attached by ClinVar (database versions not stated): ExAC 0.00008; TOPMed 0.00008; gnomAD 0.00009; ESP Exome Variant Server 0.00015; gnomAD exomes 0.00022.
gnomAD v4.1: 330 of 1,614,002 alleles (0.02%); highest among the groups gnomAD compares: Non-Finnish European, 0.025%; no homozygotes.

Submissions (3):

Ambry Genetics
Classification: Uncertain significance. Last evaluated: 2024-11-14. Review status: criteria provided, single submitter. Criteria: Ambry Variant Classification Scheme 2023. Collection method: clinical testing. Allele origin: germline.

GeneDx
Classification: Uncertain significance. Last evaluated: 2022-11-29. Review status: criteria provided, single submitter. Criteria: GeneDx Variant Classification Process June 2021. Collection method: clinical testing. Allele origin: germline. Affected: yes.
Comment: In silico analysis supports that this variant does not alter splicing; Has not been previously published as pathogenic or benign to our knowledge; Reported using an alternate transcript of the gene

CeGaT Center for Human Genetics Tuebingen
Classification: Likely benign. Last evaluated: 2022-05-01. Review status: criteria provided, single submitter. Criteria: CeGaT Center For Human Genetics Tuebingen Variant Classification Criteria Version 2. Collection method: clinical testing. Allele origin: germline. Affected: yes. Observed: 1 variant allele.
Comment: ERCC6: BP4